The following is an entry in ClinVar:

ClinVar aggregate classification (germline): Benign/Likely benign. Review status: criteria provided, multiple submitters, no conflicts (2 of 4 stars). 4 submissions from 4 submitters: Benign (1); Likely benign (3). Last evaluated 2026-01-13.

Conditions:
Hereditary diffuse gastric adenocarcinoma (HDGC). Also called: DIFFUSE GASTRIC AND LOBULAR BREAST CANCER SYNDROME. Identifiers: Orphanet 26106, MedGen C1708349, MONDO:0007648, OMIM 137215.
Hereditary cancer-predisposing syndrome. Also called: Neoplastic Syndromes, Hereditary; Hereditary neoplastic syndrome; Hereditary Cancer Syndrome; Tumor predisposition. Identifiers: Orphanet 140162, MedGen C0027672, MeSH D009386, MONDO:0015356.

Allele frequency attached by ClinVar (database versions not stated): gnomAD exomes 0.00002; ExAC 0.00003; gnomAD 0.00004; TOPMed 0.00006.
gnomAD v4.1: 34 of 1,614,066 alleles (0.0021%); highest among the groups gnomAD compares: African/African-American, 0.036%; no homozygotes.

Submissions (4):

Labcorp Genetics (formerly Invitae), Labcorp
Classification: Likely benign. Last evaluated: 2026-01-13. Review status: criteria provided, single submitter. Criteria: Invitae Variant Classification Sherloc (09022015). Collection method: clinical testing. Allele origin: germline.

Myriad Genetics, Inc.
Classification: Benign for Hereditary diffuse gastric adenocarcinoma. Last evaluated: 2024-10-11. Review status: criteria provided, single submitter. Criteria: Myriad Autosomal Dominant, Autosomal Recessive and X-Linked Classification Criteria (2023). Collection method: clinical testing. Allele origin: unknown.
Comment: This variant is considered benign. This variant is a silent/synonymous amino acid change and it is not expected to impact splicing.

Blueprint Genetics
Classification: Likely benign. Last evaluated: 2023-03-31. Review status: criteria provided, single submitter. Criteria: ACMG Guidelines, 2015. Collection method: clinical testing. Allele origin: germline.

Ambry Genetics
Classification: Likely benign for Hereditary cancer-predisposing syndrome. Last evaluated: 2021-07-06. Review status: criteria provided, single submitter. Criteria: Ambry Variant Classification Scheme 2023. Collection method: clinical testing. Allele origin: germline.

NM_001903.5(CTNNA1):c.1632A>C (p.Ala544=)

Gene: CTNNA1 (catenin alpha 1; plus strand). Cytogenetic location: 5q31.2.
Variant type: single nucleotide variant.
Coding change: c.1632A>C on transcript NM_001903.5 (MANE Select); coding-DNA position 1632, A replaced by C.
Protein change: p.Ala544=; no amino-acid change (alanine 544 retained).
Molecular consequence: synonymous variant.
Genome position (GRCh38, 1-based): chr5:138,924,595, A>C. VCF-style: chr5-138924595-A-C. GRCh37 (hg19) VCF-style: chr5-138260284-A-C.
Other names: c.1632A>C, p.Ala544= (NM_001290307.3, NM_001323982.2, NM_001323983.1 and 2 more transcripts); c.1323A>C, p.Ala441= (NM_001290309.3); c.1263A>C, p.Ala421= (NM_001290310.3); c.522A>C, p.Ala174= (NM_001290312.1, NM_001323987.1, NM_001323988.1 and 17 more transcripts); c.1539A>C, p.Ala513= (NM_001323986.2); c.183A>C, p.Ala61= (NM_001324006.1, NM_001324007.1, NM_001324008.1 and 2 more transcripts); c.429A>C, p.Ala143= (NM_001324011.1); c.279A>C, p.Ala93= (NM_001324012.1, NM_001324013.1).
Identifiers: ClinVar variation 699031 (VCV000699031.15), dbSNP rs777464189, ClinGen allele CA3432000.
Genomic context (GRCh38, chr5:138,924,595, plus strand): 5'-CAAATGTGTCATTGCTCTCCAAGAGAAGGATGTGGATGGCCTGGACCGCACAGCTGGTGC[A>C]ATTCGAGGCCGGGCAGCCCGGGTCATTCACGTAGTCACCTCAGAGATGGACAACTATGAG-3'
Protein context (NP_001894.2, residues 534-554): DVDGLDRTAG[Ala544=]IRGRAARVIH